The following is an entry in ClinVar:

NM_033641.4(COL4A6):c.2075G>A (p.Ser692Asn)

Gene: COL4A6 (collagen type IV alpha 6 chain; minus strand). Cytogenetic location: Xq22.3.
Variant type: single nucleotide variant.
Coding change: c.2075G>A on transcript NM_033641.4 (MANE Select); coding-DNA position 2075, G replaced by A.
Protein change: p.Ser692Asn; replaces serine 692 with asparagine.
Molecular consequence: missense variant.
Genome position (GRCh38, 1-based): chrX:108,180,571, C>T on the plus strand (G>A on the coding strand, the complement: COL4A6 is on the minus strand). VCF-style: chrX-108180571-C-T. GRCh37 (hg19) VCF-style: chrX-107423801-C-T.
Other names: c.2078G>A (NM_001847.2, NM_001847.3); c.2126G>A, p.Ser709Asn (NM_001287758.2); c.2075G>A, p.Ser692Asn (NM_001287759.2, NM_001287760.2); c.2078G>A, p.Ser693Asn (NM_001847.4); short protein forms S692N, S693N, S709N.
Identifiers: ClinVar variation 2730605 (VCV002730605.7), dbSNP rs767702464, ClinGen allele CA10487691.

ClinVar aggregate classification (germline): Conflicting classifications of pathogenicity. Review status: criteria provided, conflicting classifications (1 of 4 stars). 4 submissions from 4 submitters: Uncertain significance (1); Likely benign (2). 1 of the submissions does not count toward it. Last evaluated 2024-12-03.

Conditions:
COL4A6-related disorder. Also called: COL4A6-related condition.

Allele frequency attached by ClinVar (database versions not stated): gnomAD 0.00008; gnomAD exomes 0.00011; ExAC 0.00030; 1000 Genomes Project 0.00053; 1000 Genomes Project 30x 0.00062.
gnomAD v4.1: 137 of 1,206,307 alleles (0.011%); highest among the groups gnomAD compares: South Asian, 0.21%; no homozygotes.

Submissions (4):

Ambry Genetics
Classification: Uncertain significance. Last evaluated: 2024-12-03. Review status: criteria provided, single submitter. Criteria: Ambry Variant Classification Scheme 2023. Collection method: clinical testing. Allele origin: germline.

Blueprint Genetics
Classification: Likely benign. Last evaluated: 2023-01-27. Review status: criteria provided, single submitter. Criteria: ACMG Guidelines, 2015. Collection method: clinical testing. Allele origin: germline.

Labcorp Genetics (formerly Invitae), Labcorp
Classification: Likely benign. Last evaluated: 2023-01-12. Review status: criteria provided, single submitter. Criteria: Invitae Variant Classification Sherloc (09022015). Collection method: clinical testing. Allele origin: germline.

PreventionGenetics, part of Exact Sciences
Classification: Likely benign for COL4A6-related condition. Last evaluated: 2021-11-23. Review status: no assertion criteria provided. Collection method: clinical testing. Allele origin: germline. Not counted in ClinVar's aggregate classification.
Comment: This variant is classified as likely benign based on ACMG/AMP sequence variant interpretation guidelines (Richards et al. 2015 PMID: 25741868, with internal and published modifications).